The following is an entry in ClinVar:

NM_013319.3(UBIAD1):c.224C>T (p.Ser75Phe)

Gene: UBIAD1 (UbiA prenyltransferase domain containing 1; plus strand). Cytogenetic location: 1p36.22.
Variant type: single nucleotide variant.
Coding change: c.224C>T on transcript NM_013319.3 (MANE Select); coding-DNA position 224, C replaced by T.
Protein change: p.Ser75Phe; replaces serine 75 with phenylalanine.
Molecular consequence: missense variant.
Genome position (GRCh38, 1-based): chr1:11,273,755, C>T. VCF-style: chr1-11273755-C-T. GRCh37 (hg19) VCF-style: chr1-11333812-C-T.
Other names: c.224C>T, p.Ser75Phe (NM_001330349.2, NM_001330350.2); short protein forms S75F.
Identifiers: ClinVar variation 291821 (VCV000291821.34), dbSNP rs114000606, ClinGen allele CA591108.

ClinVar aggregate classification (germline): Benign. Review status: criteria provided, multiple submitters, no conflicts (2 of 4 stars). 4 submissions from 4 submitters: Benign (4). Last evaluated 2025-11-24.

Conditions:
Schnyder crystalline corneal dystrophy (SCCD). Also called: Crystalline corneal dystrophy; Schnyder corneal dystrophy. Identifiers: Orphanet 98967, MedGen C0271287, MONDO:0007374, OMIM 121800.

Allele frequency attached by ClinVar (database versions not stated): 1000 Genomes Project 0.00319; 1000 Genomes Project 30x 0.00359; ExAC 0.00682; gnomAD exomes 0.00708 and 0.01058; gnomAD 0.00794 and 0.00811; TOPMed 0.00849; ESP Exome Variant Server 0.00877.
gnomAD v4.1: 16,715 of 1,614,146 alleles (1%); highest among the groups gnomAD compares: Non-Finnish European, 1.3%; 117 homozygotes.

Submissions (4):

Labcorp Genetics (formerly Invitae), Labcorp
Classification: Benign. Last evaluated: 2025-11-24. Review status: criteria provided, single submitter. Criteria: Invitae Variant Classification Sherloc (09022015). Collection method: clinical testing. Allele origin: germline.

CeGaT Center for Human Genetics Tuebingen
Classification: Benign. Last evaluated: 2023-03-01. Review status: criteria provided, single submitter. Criteria: CeGaT Center For Human Genetics Tuebingen Variant Classification Criteria Version 2. Collection method: clinical testing. Allele origin: germline. Affected: yes. Observed: 1 variant allele.
Comment: UBIAD1: BS1, BS2

Illumina Laboratory Services, Illumina
Classification: Benign for Schnyder crystalline corneal dystrophy. Last evaluated: 2018-01-13. Review status: criteria provided, single submitter. Criteria: ICSL Variant Classification Criteria 13 December 2019. Collection method: clinical testing. Allele origin: germline.
Comment: This variant was observed in the ICSL laboratory as part of a predisposition screen in an ostensibly healthy population. It had not been previously curated by ICSL or reported in the Human Gene Mutation Database (HGMD: prior to June 1st, 2018), and was therefore a candidate for classification through an automated scoring system. Utilizing variant allele frequency, disease prevalence and penetrance estimates, and inheritance mode, an automated score was calculated to assess if this variant is too frequent to cause the disease. Based on the score and internal cut-off values, a variant classified as benign is not then subjected to further curation. The score for this variant resulted in a classification of benign for this disease.

Breakthrough Genomics
Classification: Benign. Review status: criteria provided, single submitter. Criteria: ACMG Guidelines, 2015. Collection method: not provided. Allele origin: germline. Inheritance: Autosomal dominant inheritance. Affected: yes.